The following is an entry in ClinVar:

ClinVar aggregate classification (germline): Pathogenic. Review status: criteria provided, single submitter (1 of 4 stars). 2 submissions from 1 submitter: Pathogenic (2). Last evaluated 2015-12-22.

Conditions:
Hereditary nonpolyposis colorectal neoplasms. Identifiers: MedGen C0009405, MeSH D003123.
Lynch syndrome. Identifiers: Orphanet 144, MedGen C4552100, MONDO:0005835. Disease mechanism: loss of function.

Submissions (2):

Labcorp Genetics (formerly Invitae), Labcorp
Classification: Pathogenic for Hereditary nonpolyposis colorectal neoplasms. Last evaluated: 2015-12-22. Review status: criteria provided, single submitter. Criteria: Invitae Variant Classification Sherloc (09022015). Collection method: clinical testing. Allele origin: germline.
Comment: This sequence change inserts 1 nucleotide in exon 4 of the MSH6 mRNA (c.1570_1571insC), causing a frameshift at codon 524. This creates a premature translational stop signal (p.Tyr524Serfs*7) and is expected to result in an absent or disrupted protein product. While this particular variant has not been reported in the literature, truncating variants in MSH6 are known to be pathogenic (PMID: 24362816, 18269114). For these reasons, this variant has been classified as Pathogenic.

Labcorp Genetics (formerly Invitae), Labcorp
Classification: Pathogenic for Hereditary nonpolyposis colorectal neoplasms. Last evaluated: 2015-12-22. Review status: criteria provided, single submitter. Criteria: Invitae Variant Classification Sherloc (09022015). Collection method: clinical testing. Allele origin: germline.
Comment: For these reasons, this variant has been classified as Pathogenic. While this particular variant has not been reported in the literature, truncating variants in MSH6 are known to be pathogenic (PMID: 24362816, 18269114). This sequence change inserts 1 nucleotide in exon 4 of the MSH6 mRNA (c.1570_1571insC), causing a frameshift at codon 524. This creates a premature translational stop signal (p.Tyr524Serfs*7) and is expected to result in an absent or disrupted protein product.

Literature cited by the submitters: PubMed 24362816; PubMed 18269114.

NM_000179.3(MSH6):c.1570_1571insC (p.Tyr524fs)

Gene: MSH6 (mutS homolog 6; plus strand). Cytogenetic location: 2p16.3.
Variant type: Insertion.
Coding change: c.1570_1571insC on transcript NM_000179.3 (MANE Select); coding-DNA positions 1570 to 1571, C inserted.
Protein change: p.Tyr524fs; shifts the reading frame from tyrosine 524.
Molecular consequence: frameshift variant.
Genome position: GRCh38 VCF-style: chr2-47799553-T-TC. GRCh37 (hg19) VCF-style: chr2-48026692-T-TC.
Other names: c.1180_1181insC, p.Tyr394fs (NM_001281492.2); c.664_665insC, p.Tyr222fs (NM_001281493.2, NM_001281494.2); short protein forms Y524fs, Y222fs, Y394fs.
Identifiers: ClinVar variation 237141 (VCV000237141.8), dbSNP rs878853709, ClinGen allele CA10582054.